The following is an entry in ClinVar:

NM_002472.3(MYH8):c.320A>G (p.Asn107Ser)

Genes: MYH8 (myosin heavy chain 8; minus strand), MYHAS (myosin heavy chain gene cluster antisense RNA; plus strand). Cytogenetic location: 17p13.1.
Variant type: single nucleotide variant.
Coding change: c.320A>G on transcript NM_002472.3 (MANE Select); coding-DNA position 320, A replaced by G.
Protein change: p.Asn107Ser; replaces asparagine 107 with serine.
Molecular consequence: missense variant.
Genome position (GRCh38, 1-based): chr17:10,418,921, T>C on the plus strand (A>G on the coding strand, the complement: MYH8 is on the minus strand). VCF-style: chr17-10418921-T-C. GRCh37 (hg19) VCF-style: chr17-10322238-T-C.
Other names: short protein forms N107S.
Identifiers: ClinVar variation 2252148 (VCV002252148.4), dbSNP rs139192237, ClinGen allele CA8388418.

ClinVar aggregate classification (germline): Uncertain significance. Review status: criteria provided, multiple submitters, no conflicts (2 of 4 stars). 3 submissions from 3 submitters: Uncertain significance (3). Last evaluated 2023-03-05.

Conditions:
MYH8-related disorder. Also called: MYH8-related condition.

Allele frequency attached by ClinVar (database versions not stated): gnomAD exomes 0.00001; ExAC 0.00002; TOPMed 0.00007; gnomAD 0.00008; ESP Exome Variant Server 0.00015.
gnomAD v4.1: 21 of 1,614,036 alleles (0.0013%); highest among the groups gnomAD compares: African/African-American, 0.025%; no homozygotes.

Submissions (3):

GeneDx
Classification: Uncertain significance. Last evaluated: 2023-03-05. Review status: criteria provided, single submitter. Criteria: GeneDx Variant Classification Process June 2021. Collection method: clinical testing. Allele origin: germline. Affected: yes.
Comment: In silico analysis supports that this missense variant has a deleterious effect on protein structure/function; Has not been previously published as pathogenic or benign to our knowledge

PreventionGenetics, part of Exact Sciences
Classification: Uncertain significance for MYH8-related condition. Last evaluated: 2022-09-02. Review status: criteria provided, single submitter. Criteria: ACMG Guidelines, 2015. Collection method: clinical testing. Allele origin: germline.
Comment: The MYH8 c.320A>G variant is predicted to result in the amino acid substitution p.Asn107Ser. To our knowledge, this variant has not been reported in the literature. This variant is reported in 0.012% of alleles in individuals of African descent in gnomAD. At this time, the clinical significance of this variant is uncertain due to the absence of conclusive functional and genetic evidence.

Ambry Genetics
Classification: Uncertain significance. Last evaluated: 2021-09-27. Review status: criteria provided, single submitter. Criteria: Ambry Variant Classification Scheme 2023. Collection method: clinical testing. Allele origin: germline.